The following is an entry in ClinVar:

ClinVar aggregate classification (germline): Uncertain significance. Review status: criteria provided, multiple submitters, no conflicts (2 of 4 stars). 2 submissions from 2 submitters: Uncertain significance (2). Last evaluated 2025-08-15.

Conditions:
Inborn genetic diseases. Identifiers: MedGen C0950123, MeSH D030342.

Submissions (2):

Labcorp Genetics (formerly Invitae), Labcorp
Classification: Uncertain significance. Last evaluated: 2025-08-15. Review status: criteria provided, single submitter. Criteria: Invitae Variant Classification Sherloc (09022015). Collection method: clinical testing. Allele origin: germline.
Comment: This sequence change replaces serine, which is neutral and polar, with threonine, which is neutral and polar, at codon 1871 of the UNC80 protein (p.Ser1871Thr). This variant is present in population databases (no rsID available, gnomAD 0.006%). This variant has not been reported in the literature in individuals affected with UNC80-related conditions. ClinVar contains an entry for this variant (Variation ID: 2415120). Invitae Evidence Modeling of protein sequence and biophysical properties (such as structural, functional, and spatial information, amino acid conservation, physicochemical variation, residue mobility, and thermodynamic stability) indicates that this missense variant is not expected to disrupt UNC80 protein function with a negative predictive value of 80%. In summary, the available evidence is currently insufficient to determine the role of this variant in disease. Therefore, it has been classified as a Variant of Uncertain Significance.

Ambry Genetics
Classification: Uncertain significance for Inborn genetic diseases. Last evaluated: 2025-07-04. Review status: criteria provided, single submitter. Criteria: Ambry Variant Classification Scheme 2023. Collection method: clinical testing. Allele origin: germline.

NM_001371986.1(UNC80):c.5810G>C (p.Ser1937Thr)

Gene: UNC80 (unc-80 subunit of NALCN channel complex; plus strand). Cytogenetic location: 2q34.
Variant type: single nucleotide variant.
Coding change: c.5810G>C on transcript NM_001371986.1 (MANE Select); coding-DNA position 5810, G replaced by C.
Protein change: p.Ser1937Thr; replaces serine 1937 with threonine.
Molecular consequence: missense variant.
Genome position (GRCh38, 1-based): chr2:209,929,874, G>C. VCF-style: chr2-209929874-G-C. GRCh37 (hg19) VCF-style: chr2-210794598-G-C.
Other names: c.5612G>C, p.Ser1871Thr (NM_032504.2); c.5597G>C, p.Ser1866Thr (NM_182587.4); c.5612G>C (NM_032504.1); short protein forms S1866T, S1871T, S1937T.
Identifiers: ClinVar variation 2415120 (VCV002415120.7), dbSNP rs1450092335, ClinGen allele CA350766715.